The following is an entry in ClinVar:

NM_001384732.1(CPLANE1):c.9263A>T (p.His3088Leu)

Gene: CPLANE1 (ciliogenesis and planar polarity effector complex subunit 1; minus strand). Cytogenetic location: 5p13.2.
Variant type: single nucleotide variant.
Coding change: c.9263A>T on transcript NM_001384732.1 (MANE Select); coding-DNA position 9263, A replaced by T.
Protein change: p.His3088Leu; replaces histidine 3088 with leucine.
Molecular consequence: missense variant.
Genome position (GRCh38, 1-based): chr5:37,120,263, T>A on the plus strand (A>T on the coding strand, the complement: CPLANE1 is on the minus strand). VCF-style: chr5-37120263-T-A. GRCh37 (hg19) VCF-style: chr5-37120365-T-A.
Other names: c.9101A>T, p.His3034Leu (NM_023073.4); short protein forms H3034L, H3088L.
Identifiers: ClinVar variation 940841 (VCV000940841.9), dbSNP rs547370426, ClinGen allele CA359493787.

ClinVar aggregate classification (germline): Uncertain significance (1 of 4 stars; one submission).

gnomAD v4.1: 1 of 1,604,198 alleles (0.000062%); highest among the groups gnomAD compares: Non-Finnish European, 0.000085%; no homozygotes.

Submission:

Labcorp Genetics (formerly Invitae), Labcorp
Classification: Uncertain significance. Last evaluated: 2019-10-19. Review status: criteria provided, single submitter. Criteria: Invitae Variant Classification Sherloc (09022015). Collection method: clinical testing. Allele origin: germline.
Comment: In summary, the available evidence is currently insufficient to determine the role of this variant in disease. Therefore, it has been classified as a Variant of Uncertain Significance. Algorithms developed to predict the effect of missense changes on protein structure and function (SIFT, PolyPhen-2, Align-GVGD) all suggest that this variant is likely to be tolerated, but these predictions have not been confirmed by published functional studies and their clinical significance is uncertain. This variant has not been reported in the literature in individuals with C5orf42-related disease. This variant is not present in population databases (ExAC no frequency). This sequence change replaces histidine with leucine at codon 3034 of the C5orf42 protein (p.His3034Leu). The histidine residue is weakly conserved and there is a moderate physicochemical difference between histidine and leucine.